The following is an entry in ClinVar:

ClinVar aggregate classification (germline): Uncertain significance (1 of 4 stars; one submission).

gnomAD v4.1: 1 of 1,613,738 alleles (0.000062%); highest among the groups gnomAD compares: Admixed American, 0.0017%; no homozygotes.

Submission:

GeneDx
Classification: Uncertain significance. Last evaluated: 2025-06-24. Review status: criteria provided, single submitter. Criteria: GeneDx Variant Classification Process June 2021. Collection method: clinical testing. Allele origin: germline. Affected: yes.
Comment: Not observed at significant frequency in large population cohorts (gnomAD); In silico analysis supports that this missense variant has a deleterious effect on protein structure/function; Has not been previously published as pathogenic or benign to our knowledge; Reported using an alternate transcript of the gene

NM_004301.5(ACTL6A):c.101A>G (p.Lys34Arg)

Gene: ACTL6A (actin like 6A; plus strand). Cytogenetic location: 3q26.33.
Variant type: single nucleotide variant.
Coding change: c.101A>G on transcript NM_004301.5 (MANE Select); coding-DNA position 101, A replaced by G.
Protein change: p.Lys34Arg; replaces lysine 34 with arginine.
Molecular consequence: missense variant. On other transcripts: 5 prime UTR variant (2).
Genome position (GRCh38, 1-based): chr3:179,569,899, A>G. VCF-style: chr3-179569899-A-G. GRCh37 (hg19) VCF-style: chr3-179287687-A-G.
Other names: c.-26A>G (NM_177989.4, NM_178042.4); short protein forms K34R.
Identifiers: ClinVar variation 3371916 (VCV003371916.2).